The following is an entry in ClinVar:

ClinVar aggregate classification (germline): Uncertain significance (1 of 4 stars; one submission).

Conditions:
Ataxia-telangiectasia syndrome (AT). Also called: LOUIS-BAR SYNDROME; Cerebello-oculocutaneous telangiectasia; Immunodeficiency with ataxia telangiectasia; Ataxia telangiectasia (A-T); Ataxia-telangiectasia, complementation group D; AT, COMPLEMENTATION GROUP C. Identifiers: Orphanet 100, MedGen C0004135, MONDO:0008840, OMIM 208900.

Submission:

Labcorp Genetics (formerly Invitae), Labcorp
Classification: Uncertain significance for Ataxia-telangiectasia syndrome. Last evaluated: 2023-02-08. Review status: criteria provided, single submitter. Criteria: Invitae Variant Classification Sherloc (09022015). Collection method: clinical testing. Allele origin: germline.
Comment: Algorithms developed to predict the effect of missense changes on protein structure and function (SIFT, PolyPhen-2, Align-GVGD) all suggest that this variant is likely to be disruptive. This sequence change replaces tyrosine, which is neutral and polar, with aspartic acid, which is acidic and polar, at codon 2817 of the ATM protein (p.Tyr2817Asp). This variant is not present in population databases (gnomAD no frequency). This variant has not been reported in the literature in individuals affected with ATM-related conditions. In summary, the available evidence is currently insufficient to determine the role of this variant in disease. Therefore, it has been classified as a Variant of Uncertain Significance.

NM_000051.4(ATM):c.8449T>G (p.Tyr2817Asp)

Genes: ATM (ATM serine/threonine kinase; plus strand), C11orf65 (chromosome 11 open reading frame 65; minus strand). Cytogenetic location: 11q22.3.
Variant type: single nucleotide variant.
Coding change: c.8449T>G on transcript NM_000051.4 (MANE Select); coding-DNA position 8449, T replaced by G.
Protein change: p.Tyr2817Asp; replaces tyrosine 2817 with aspartic acid.
Molecular consequence: missense variant. On other transcripts: intron variant (2).
Genome position (GRCh38, 1-based): chr11:108,345,773, T>G. VCF-style: chr11-108345773-T-G. GRCh37 (hg19) VCF-style: chr11-108216500-T-G.
Other names: c.8449T>G, p.Tyr2817Asp (NM_001351834.2); c.641-36702A>C (NM_001330368.2); c.695-10481A>C (NM_001351110.2); short protein forms Y2817D.
Identifiers: ClinVar variation 2835238 (VCV002835238.3), dbSNP rs2137026417, ClinGen allele CA382517891.
Genomic context (GRCh38, chr11:108,345,773, plus strand): 5'-AAAATAATTATATATATTCTCTATTTAAAGGAGGTGCAAAAAAAGTCTTTTGAAGAGAAA[T>G]ATGAAGTCTTCATGGATGTTTGCCAAAATTTTCAACCAGTTTTCCGTTACTTCTGCATGG-3'
Protein context (NP_000042.3, residues 2807-2827): EVQKKSFEEK[Tyr2817Asp]EVFMDVCQNF